The following is an entry in ClinVar:

NM_001127255.2(NLRP7):c.2201C>T (p.Thr734Met)

Genes: NCR1 (natural cytotoxicity triggering receptor 1), NLRP7 (NLR family pyrin domain containing 7; minus strand). Cytogenetic location: 19q13.42.
Variant type: single nucleotide variant.
Coding change: c.2201C>T on transcript NM_001127255.2 (MANE Select); coding-DNA position 2201, C replaced by T.
Protein change: p.Thr734Met; replaces threonine 734 with methionine.
Molecular consequence: missense variant.
Genome position (GRCh38, 1-based): chr19:54,936,360, G>A on the plus strand (C>T on the coding strand, the complement: NLRP7 is on the minus strand). VCF-style: chr19-54936360-G-A. GRCh37 (hg19) VCF-style: chr19-55447728-G-A.
Other names: c.2201C>T, p.Thr734Met (NM_001405531.1, NM_206828.4); c.2117C>T, p.Thr706Met (NM_139176.4); short protein forms T734M, T706M.
Identifiers: ClinVar variation 775585 (VCV000775585.27), dbSNP rs150220721, ClinGen allele CA310013544.

ClinVar aggregate classification (germline): Likely benign. Review status: criteria provided, multiple submitters, no conflicts (2 of 4 stars). 2 submissions from 2 submitters: Likely benign (2). Last evaluated 2023-12-01.

Allele frequency attached by ClinVar (database versions not stated): gnomAD 0.00012 and 0.00024; TOPMed 0.00016; gnomAD exomes 0.00029 and 0.00067; ESP Exome Variant Server 0.00031; ExAC 0.00082; 1000 Genomes Project 30x 0.00094; 1000 Genomes Project 0.00100.
gnomAD v4.1: 462 of 1,613,954 alleles (0.029%); highest among the groups gnomAD compares: South Asian, 0.44%; 3 homozygotes.

Submissions (2):

CeGaT Center for Human Genetics Tuebingen
Classification: Likely benign. Last evaluated: 2023-12-01. Review status: criteria provided, single submitter. Criteria: CeGaT Center For Human Genetics Tuebingen Variant Classification Criteria Version 2. Collection method: clinical testing. Allele origin: germline. Affected: yes. Observed: 1 variant allele.
Comment: NLRP7: BP4, BS2

Labcorp Genetics (formerly Invitae), Labcorp
Classification: Likely benign. Last evaluated: 2017-06-06. Review status: criteria provided, single submitter. Criteria: Invitae Variant Classification Sherloc (09022015). Collection method: clinical testing. Allele origin: germline.